The following is an entry in ClinVar:

NM_019055.6(ROBO4):c.1900C>T (p.Arg634Cys)

Gene: ROBO4 (roundabout guidance receptor 4; minus strand). Cytogenetic location: 11q24.2.
Variant type: single nucleotide variant.
Coding change: c.1900C>T on transcript NM_019055.6 (MANE Select); coding-DNA position 1900, C replaced by T.
Protein change: p.Arg634Cys; replaces arginine 634 with cysteine.
Molecular consequence: missense variant.
Genome position (GRCh38, 1-based): chr11:124,891,347, G>A on the plus strand (C>T on the coding strand, the complement: ROBO4 is on the minus strand). VCF-style: chr11-124891347-G-A. GRCh37 (hg19) VCF-style: chr11-124761243-G-A.
Other names: c.1465C>T, p.Arg489Cys (NM_001301088.2); short protein forms R489C, R634C.
Identifiers: ClinVar variation 1805002 (VCV001805002.21), dbSNP rs145535350, ClinGen allele CA6344787.

ClinVar aggregate classification (germline): Conflicting classifications of pathogenicity. Review status: criteria provided, conflicting classifications (1 of 4 stars). 2 submissions from 2 submitters: Uncertain significance (1); Likely benign (1). Last evaluated 2025-01-01.

Conditions:
Aortic valve disease 3. Identifiers: MedGen C5193127, MONDO:0032783, OMIM 618496.

Allele frequency attached by ClinVar (database versions not stated): ExAC 0.00005; gnomAD 0.00009; TOPMed 0.00010; ESP Exome Variant Server 0.00015; 1000 Genomes Project 30x 0.00016; 1000 Genomes Project 0.00020.
gnomAD v4.1: 120 of 1,535,624 alleles (0.0078%); highest among the groups gnomAD compares: Non-Finnish European, 0.0091%; no homozygotes.

Submissions (2):

CeGaT Center for Human Genetics Tuebingen
Classification: Likely benign. Last evaluated: 2025-01-01. Review status: criteria provided, single submitter. Criteria: CeGaT Center For Human Genetics Tuebingen Variant Classification Criteria Version 2. Collection method: clinical testing. Allele origin: germline. Affected: yes. Observed: 2 variant alleles.
Comment: ROBO4: BP4

Victorian Clinical Genetics Services, Murdoch Childrens Research Institute
Classification: Uncertain significance for Aortic valve disease 3. Last evaluated: 2021-05-06. Review status: criteria provided, single submitter. Criteria: ACMG Guidelines, 2015. Collection method: clinical testing. Allele origin: germline. Inheritance: Autosomal dominant inheritance.
Comment: Based on the classification scheme VCGS_Germline_v1.3.4, this variant is classified as VUS-3C. Following criteria are met: 0102 - Loss of function is a known mechanism of disease in this gene and is associated with Aortic valve disease 8 (MIM#618496). (I) 0107 - This gene is associated with autosomal dominant disease. (I) 0112 - The condition associated with this gene has incomplete penetrance in a single family (PMID:30455415). (I) 0200 - Variant is predicted to result in a missense amino acid change from arginine to cysteine. (I) 0251 - This variant is heterozygous. (I) 0302 - Variant is present in gnomAD (v3) <0.001 for a dominant condition (13 heterozygotes, 0 homozygotes). (SP) 0309 - Two alternative amino acid changes at the same position have been observed in gnomAD (v3) (highest allele count R>H: 26 heterozygotes, 0 homozygotes). (I) 0504 - Same amino acid change has been observed in placental mammals. (SB) 0604 - Variant is not located in an established domain, motif, hotspot or informative constraint region. (I) 0709 - Another missense variant comparable to the one identified in this case has limited previous evidence for being benign. The alternative change to leucine has been reported once as likely benign (LOVD). (SB) 0807 - This variant has no previous evidence of pathogenicity. (I) 0905 - No published segregation evidence has been identified for this variant. (I) 1007 - No published functional evidence has been identified for this variant. (I) 1208 - Inheritance information for this variant is not currently available in this individual. (I) Legend: (SP) - Supporting pathogenic, (I) - Information, (SB) - Supporting benign

Literature cited by the submitters: PubMed 30455415 (cited by Victorian Clinical Genetics Services, Murdoch Childrens Research Institute).